The following is an entry in ClinVar:

ClinVar aggregate classification (germline): Uncertain significance. Review status: criteria provided, multiple submitters, no conflicts (2 of 4 stars). 9 submissions from 9 submitters: Uncertain significance (8). 1 of the submissions does not count toward it. Last evaluated 2026-08-26.

Conditions:
CEP290-related disorder. Also called: CEP290-related condition; CEP290-related disorders. Identifiers: MedGen CN239314.
Joubert syndrome 5 (JBTS5). Identifiers: Orphanet 2318, MedGen C1857780, MONDO:0012432, OMIM 610188.
Bardet-Biedl syndrome 14 (BBS14). Identifiers: Orphanet 110, MedGen C2673874, MONDO:0014442, OMIM 615991.
Inborn genetic diseases. Identifiers: MedGen C0950123, MeSH D030342.
Nephronophthisis. Also called: Juvenile Nephronophthisis. Identifiers: Orphanet 655, MedGen C0687120, MONDO:0019005, HP:0000090.
Meckel-Gruber syndrome. Also called: Dysencephalia splachnocystica; DYSENCEPHALIA SPLANCHNOCYSTICA; GRUBER SYNDROME. Identifiers: Orphanet 564, MedGen C0265215, MONDO:0018921.
Joubert syndrome. Also called: JOUBERT-BOLTSHAUSER SYNDROME; Familial aplasia of the vermis. Identifiers: Orphanet 475, MedGen C5979921, MONDO:0018772.
Meckel syndrome, type 4 (MKS4). Also called: MECKEL-GRUBER SYNDROME, TYPE 4. Identifiers: Orphanet 564, MedGen C1970161, MONDO:0012626, OMIM 611134.
Senior-Loken syndrome 6 (SLSN6). Identifiers: Orphanet 3156, MedGen C1857779, MONDO:0012433, OMIM 610189.
Leber congenital amaurosis 10 (LCA10). Identifiers: Orphanet 65, MedGen C1857821, MONDO:0012723, OMIM 611755.
Leber congenital amaurosis (LCA). Also called: Leber's amaurosis. Identifiers: Orphanet 65, MedGen C0339527, MeSH D057130, MONDO:0018998.

Allele frequency attached by ClinVar (database versions not stated): gnomAD exomes 0.00001 and 0.00010; gnomAD 0.00004; TOPMed 0.00009.
gnomAD v4.1: 21 of 1,468,252 alleles (0.0014%); highest among the groups gnomAD compares: Admixed American, 0.05%; no homozygotes.

Submissions (9):

PreventionGenetics, part of Exact Sciences
Classification: Uncertain significance for CEP290-related condition. Last evaluated: 2026-08-26. Review status: criteria provided, single submitter. Criteria: ACMG Guidelines, 2015. Collection method: clinical testing. Allele origin: germline.
Comment: The CEP290 c.814G>A variant is predicted to result in the amino acid substitution p.Asp272Asn. To our knowledge, this variant has not been reported in the literature. This variant is reported in 0.073% of alleles in individuals of Latino descent in gnomAD. Although we suspect that this variant may be benign, at this time, the clinical significance of this variant is uncertain due to the absence of conclusive functional and genetic evidence.

Ambry Genetics
Classification: Uncertain significance for Inborn genetic diseases. Last evaluated: 2024-08-14. Review status: criteria provided, single submitter. Criteria: Ambry Variant Classification Scheme 2023. Collection method: clinical testing. Allele origin: germline.

Fulgent Genetics
Classification: Uncertain significance for Joubert syndrome 5; Senior-Loken syndrome 6; Meckel syndrome, type 4; Leber congenital amaurosis 10; Bardet-Biedl syndrome 14. Last evaluated: 2024-02-29. Review status: criteria provided, single submitter. Criteria: ACMG Guidelines, 2015. Collection method: clinical testing. Allele origin: germline.

Labcorp Genetics (formerly Invitae), Labcorp
Classification: Uncertain significance for Joubert syndrome; Meckel-Gruber syndrome; Nephronophthisis. Last evaluated: 2022-10-05. Review status: criteria provided, single submitter. Criteria: Invitae Variant Classification Sherloc (09022015). Collection method: clinical testing. Allele origin: germline.
Comment: This sequence change replaces aspartic acid, which is acidic and polar, with asparagine, which is neutral and polar, at codon 272 of the CEP290 protein (p.Asp272Asn). This variant is present in population databases (no rsID available, gnomAD 0.06%). This variant has not been reported in the literature in individuals affected with CEP290-related conditions. ClinVar contains an entry for this variant (Variation ID: 434741). Advanced modeling of protein sequence and biophysical properties (such as structural, functional, and spatial information, amino acid conservation, physicochemical variation, residue mobility, and thermodynamic stability) performed at Invitae indicates that this missense variant is expected to disrupt CEP290 protein function. In summary, the available evidence is currently insufficient to determine the role of this variant in disease. Therefore, it has been classified as a Variant of Uncertain Significance.

GeneDx
Classification: Uncertain significance. Last evaluated: 2022-03-21. Review status: criteria provided, single submitter. Criteria: GeneDx Variant Classification Process June 2021. Collection method: clinical testing. Allele origin: germline. Affected: yes.
Comment: Has not been previously published as pathogenic or benign to our knowledge; In silico analysis supports that this missense variant does not alter protein structure/function

Blueprint Genetics
Classification: Uncertain significance. Last evaluated: 2021-09-20. Review status: criteria provided, single submitter. Criteria: ACMG Guidelines, 2015. Collection method: clinical testing. Allele origin: germline.

New York Genome Center
Classification: Uncertain significance for Bardet-Biedl syndrome 14; Joubert syndrome 5. Last evaluated: 2021-04-30. Review status: criteria provided, single submitter. Criteria: NYGC Assertion Criteria 2020. Collection method: clinical testing. Allele origin: inherited. Observed: 1 compound heterozygote. Study: CSER-NYCKidSeq.

Genetic Services Laboratory, University of Chicago
Classification: Uncertain significance. Last evaluated: 2016-07-14. Review status: criteria provided, single submitter. Criteria: ACMG Guidelines, 2015. Collection method: clinical testing. Allele origin: germline. Affected: no.

Natera, Inc.
Classification: Uncertain significance for Leber congenital amaurosis. Last evaluated: 2020-01-24. Review status: no assertion criteria provided. Collection method: clinical testing. Allele origin: germline. Not counted in ClinVar's aggregate classification.

NM_025114.4(CEP290):c.814G>A (p.Asp272Asn)

Gene: CEP290 (centrosomal protein 290; minus strand). Cytogenetic location: 12q21.32.
Variant type: single nucleotide variant.
Coding change: c.814G>A on transcript NM_025114.4 (MANE Select); coding-DNA position 814, G replaced by A.
Protein change: p.Asp272Asn; replaces aspartic acid 272 with asparagine.
Molecular consequence: missense variant.
Genome position (GRCh38, 1-based): chr12:88,129,732, C>T on the plus strand (G>A on the coding strand, the complement: CEP290 is on the minus strand). VCF-style: chr12-88129732-C-T. GRCh37 (hg19) VCF-style: chr12-88523509-C-T.
Other names: short protein forms D272N.
Identifiers: ClinVar variation 434741 (VCV000434741.22), dbSNP rs866480852, ClinGen allele CA241157415.